The following is an entry in ClinVar:

NM_002972.4(SBF1):c.4813-3C>T

Gene: SBF1 (SET binding factor 1; minus strand). Cytogenetic location: 22q13.33.
Variant type: single nucleotide variant.
Coding change: c.4813-3C>T on transcript NM_002972.4 (MANE Select); 3 bases into the intron before coding-DNA position 4813, C replaced by T.
Molecular consequence: intron variant.
Genome position (GRCh38, 1-based): chr22:50,454,745, G>A on the plus strand (C>T on the coding strand, the complement: SBF1 is on the minus strand). VCF-style: chr22-50454745-G-A. GRCh37 (hg19) VCF-style: chr22-50893174-G-A.
Other names: c.4735-3C>T (NM_001410795.1); c.4738-3C>T (NM_001365819.1); c.4816-3C>T (NM_001410794.1).
Identifiers: ClinVar variation 3257309 (VCV003257309.17).

ClinVar aggregate classification (germline): Uncertain significance (1 of 4 stars; one submission).

gnomAD v4.1: 4 of 1,584,148 alleles (0.00025%); highest among the groups gnomAD compares: Non-Finnish European, 0.000086%; no homozygotes.

Submission:

CeGaT Center for Human Genetics Tuebingen
Classification: Uncertain significance. Last evaluated: 2024-07-01. Review status: criteria provided, single submitter. Criteria: CeGaT Center For Human Genetics Tuebingen Variant Classification Criteria Version 2. Collection method: clinical testing. Allele origin: germline. Affected: yes. Observed: 1 variant allele.
Comment: SBF1: PM2, BP4